The following is an entry in ClinVar:

ClinVar aggregate classification (germline): Uncertain significance (1 of 4 stars; one submission).

Conditions:
Cardiovascular phenotype. Identifiers: MedGen CN230736.

Submission:

Ambry Genetics
Classification: Uncertain significance for Cardiovascular phenotype. Last evaluated: 2020-02-21. Review status: criteria provided, single submitter. Criteria: Ambry Variant Classification Scheme 2023. Collection method: clinical testing. Allele origin: germline.
Comment: The p.E1933G variant (also known as c.5798A>G), located in coding exon 8 of the ALMS1 gene, results from an A to G substitution at nucleotide position 5798. The glutamic acid at codon 1933 is replaced by glycine, an amino acid with similar properties. This amino acid position is poorly conserved in available vertebrate species. In addition, this alteration is predicted to be tolerated by in silico analysis. Since supporting evidence is limited at this time, the clinical significance of this alteration remains unclear.

NM_001378454.1(ALMS1):c.5795A>G (p.Glu1932Gly)

Gene: ALMS1 (ALMS1 centrosome and basal body associated protein; plus strand). Cytogenetic location: 2p13.1.
Variant type: single nucleotide variant.
Coding change: c.5795A>G on transcript NM_001378454.1 (MANE Select); coding-DNA position 5795, A replaced by G.
Protein change: p.Glu1932Gly; replaces glutamic acid 1932 with glycine.
Molecular consequence: missense variant.
Genome position (GRCh38, 1-based): chr2:73,452,322, A>G. VCF-style: chr2-73452322-A-G. GRCh37 (hg19) VCF-style: chr2-73679449-A-G.
Other names: c.5798A>G, p.Glu1933Gly (NM_015120.4); short protein forms E1933G, E1932G.
Identifiers: ClinVar variation 1749686 (VCV001749686.2), dbSNP rs1671961614, ClinGen allele CA347283332.